The following is an entry in ClinVar:

ClinVar aggregate classification (germline): Uncertain significance. Review status: criteria provided, multiple submitters, no conflicts (2 of 4 stars). 2 submissions from 2 submitters: Uncertain significance (2). Last evaluated 2025-01-23.

Conditions:
Inborn genetic diseases. Identifiers: MedGen C0950123, MeSH D030342.
MEGF10-related myopathy (CMYO10A). Also called: Congenital myopathy 10A, severe variant. Identifiers: Orphanet 439212, MedGen C3280679, MONDO:0013731, OMIM 614399.

Allele frequency attached by ClinVar (database versions not stated): gnomAD exomes below 0.00001 and 0.00002; gnomAD 0.00001; ExAC 0.00003; TOPMed 0.00004.
gnomAD v4.1: 15 of 1,613,878 alleles (0.00093%); highest among the groups gnomAD compares: East Asian, 0.013%; no homozygotes.

Submissions (2):

Ambry Genetics
Classification: Uncertain significance for Inborn genetic diseases. Last evaluated: 2025-01-23. Review status: criteria provided, single submitter. Criteria: Ambry Variant Classification Scheme 2023. Collection method: clinical testing. Allele origin: germline.

Labcorp Genetics (formerly Invitae), Labcorp
Classification: Uncertain significance for MEGF10-related myopathy. Last evaluated: 2022-03-18. Review status: criteria provided, single submitter. Criteria: Invitae Variant Classification Sherloc (09022015). Collection method: clinical testing. Allele origin: germline.
Comment: This sequence change replaces valine, which is neutral and non-polar, with isoleucine, which is neutral and non-polar, at codon 1077 of the MEGF10 protein (p.Val1077Ile). This variant is present in population databases (rs376652467, gnomAD 0.03%). This variant has not been reported in the literature in individuals affected with MEGF10-related conditions. ClinVar contains an entry for this variant (Variation ID: 645556). Algorithms developed to predict the effect of missense changes on protein structure and function output the following: SIFT: "Deleterious"; PolyPhen-2: "Benign"; Align-GVGD: "Class C0". The isoleucine amino acid residue is found in multiple mammalian species, which suggests that this missense change does not adversely affect protein function. In summary, the available evidence is currently insufficient to determine the role of this variant in disease. Therefore, it has been classified as a Variant of Uncertain Significance.

NM_001256545.2(MEGF10):c.3229G>A (p.Val1077Ile)

Gene: MEGF10 (multiple EGF like domains 10; plus strand). Cytogenetic location: 5q23.2.
Variant type: single nucleotide variant.
Coding change: c.3229G>A on transcript NM_001256545.2 (MANE Select); coding-DNA position 3229, G replaced by A.
Protein change: p.Val1077Ile; replaces valine 1077 with isoleucine.
Molecular consequence: missense variant.
Genome position (GRCh38, 1-based): chr5:127,455,604, G>A. VCF-style: chr5-127455604-G-A. GRCh37 (hg19) VCF-style: chr5-126791296-G-A.
Other names: c.3229G>A, p.Val1077Ile (NM_032446.3); short protein forms V1077I.
Identifiers: ClinVar variation 645556 (VCV000645556.8), dbSNP rs376652467, ClinGen allele CA3392163.